The following is an entry in ClinVar:

ClinVar aggregate classification (germline): Uncertain significance (1 of 4 stars; one submission).

Conditions:
Frontotemporal dementia and/or amyotrophic lateral sclerosis 1 (FTDALS1). Also called: C9orf72 Frontotemporal Dementia and/or Amyotrophic Lateral Sclerosis; Frontotemporal dementia with motor neuron disease 1. Identifiers: Orphanet 275872, MedGen C5779877, MONDO:0007105, OMIM 105550.
Paget disease of bone 2, early-onset (PDB2). Also called: Paget disease of bone 2. Identifiers: MedGen C4085251, MONDO:0011183, OMIM 602080.

Allele frequency attached by ClinVar (database versions not stated): gnomAD exomes below 0.00001.
gnomAD v4.1: 3 of 1,614,108 alleles (0.00019%); highest among the groups gnomAD compares: Non-Finnish European, 0.00025%; no homozygotes.

Submission:

Labcorp Genetics (formerly Invitae), Labcorp
Classification: Uncertain significance for Paget disease of bone 2, early-onset; Frontotemporal dementia and/or amyotrophic lateral sclerosis 1. Last evaluated: 2023-09-27. Review status: criteria provided, single submitter. Criteria: Invitae Variant Classification Sherloc (09022015). Collection method: clinical testing. Allele origin: germline.
Comment: This sequence change replaces leucine, which is neutral and non-polar, with proline, which is neutral and non-polar, at codon 353 of the SQSTM1 protein (p.Leu353Pro). This variant is not present in population databases (gnomAD no frequency). This variant has not been reported in the literature in individuals affected with SQSTM1-related conditions. Advanced modeling of protein sequence and biophysical properties (such as structural, functional, and spatial information, amino acid conservation, physicochemical variation, residue mobility, and thermodynamic stability) performed at Invitae indicates that this missense variant is not expected to disrupt SQSTM1 protein function. In summary, the available evidence is currently insufficient to determine the role of this variant in disease. Therefore, it has been classified as a Variant of Uncertain Significance.

NM_003900.5(SQSTM1):c.1058T>C (p.Leu353Pro)

Gene: SQSTM1 (sequestosome 1; plus strand). Cytogenetic location: 5q35.3.
Variant type: single nucleotide variant.
Coding change: c.1058T>C on transcript NM_003900.5 (MANE Select); coding-DNA position 1058, T replaced by C.
Protein change: p.Leu353Pro; replaces leucine 353 with proline.
Molecular consequence: missense variant.
Genome position (GRCh38, 1-based): chr5:179,833,675, T>C. VCF-style: chr5-179833675-T-C. GRCh37 (hg19) VCF-style: chr5-179260675-T-C.
Other names: c.806T>C, p.Leu269Pro (NM_001142298.2, NM_001142299.2); short protein forms L269P, L353P.
Identifiers: ClinVar variation 2936479 (VCV002936479.3), dbSNP rs2480247877, ClinGen allele CA362452666.